The following is an entry in ClinVar:

NM_182961.4(SYNE1):c.11284A>C (p.Ser3762Arg)

Gene: SYNE1 (spectrin repeat containing nuclear envelope protein 1; minus strand). Cytogenetic location: 6q25.2.
Variant type: single nucleotide variant.
Coding change: c.11284A>C on transcript NM_182961.4 (MANE Select); coding-DNA position 11284, A replaced by C.
Protein change: p.Ser3762Arg; replaces serine 3762 with arginine.
Molecular consequence: missense variant.
Genome position (GRCh38, 1-based): chr6:152,352,323, T>G on the plus strand (A>C on the coding strand, the complement: SYNE1 is on the minus strand). VCF-style: chr6-152352323-T-G. GRCh37 (hg19) VCF-style: chr6-152673458-T-G.
Other names: c.11239A>C, p.Ser3747Arg (NM_033071.5); short protein forms S3747R, S3762R.
Identifiers: ClinVar variation 1511051 (VCV001511051.3), dbSNP rs953580081, ClinGen allele CA150199093.

ClinVar aggregate classification (germline): Uncertain significance (1 of 4 stars; one submission).

Conditions:
Emery-Dreifuss muscular dystrophy 4, autosomal dominant (EDMD4). Also called: EMERY-DREIFUSS MUSCULAR DYSTROPHY 4 WITH VARIABLE FEATURES. Identifiers: Orphanet 261, MedGen C2751807, MONDO:0013071, OMIM 612998.
Autosomal recessive ataxia, Beauce type. Also called: Spinocerebellar ataxia, autosomal recessive 8; ATAXIA, RECESSIVE, OF BEAUCE; SYNE1 Deficiency; SYNE1-Related Autosomal Recessive Cerebellar Ataxia. Identifiers: Orphanet 88644, MedGen C1853116, MONDO:0012549, OMIM 610743.

Allele frequency attached by ClinVar (database versions not stated): gnomAD exomes below 0.00001; TOPMed below 0.00001.
gnomAD v4.1: 5 of 1,614,148 alleles (0.00031%); highest among the groups gnomAD compares: Non-Finnish European, 0.00017%; no homozygotes.

Submission:

Labcorp Genetics (formerly Invitae), Labcorp
Classification: Uncertain significance for Emery-Dreifuss muscular dystrophy 4, autosomal dominant; Autosomal recessive ataxia, Beauce type. Last evaluated: 2022-03-14. Review status: criteria provided, single submitter. Criteria: Invitae Variant Classification Sherloc (09022015). Collection method: clinical testing. Allele origin: germline.
Comment: This sequence change replaces serine, which is neutral and polar, with arginine, which is basic and polar, at codon 3747 of the SYNE1 protein (p.Ser3747Arg). This variant is not present in population databases (gnomAD no frequency). This variant has not been reported in the literature in individuals affected with SYNE1-related conditions. Algorithms developed to predict the effect of missense changes on protein structure and function are either unavailable or do not agree on the potential impact of this missense change (SIFT: "Deleterious"; PolyPhen-2: "Benign"; Align-GVGD: "Class C65"). In summary, the available evidence is currently insufficient to determine the role of this variant in disease. Therefore, it has been classified as a Variant of Uncertain Significance.